The following is an entry in ClinVar:

NM_003848.4(SUCLG2):c.1186A>G (p.Thr396Ala)

Gene: SUCLG2 (succinate-CoA ligase GDP-forming subunit beta; minus strand). Cytogenetic location: 3p14.1.
Variant type: single nucleotide variant.
Coding change: c.1186A>G on transcript NM_003848.4 (MANE Select); coding-DNA position 1186, A replaced by G.
Protein change: p.Thr396Ala; replaces threonine 396 with alanine.
Molecular consequence: missense variant. On other transcripts: intron variant (1).
Genome position (GRCh38, 1-based): chr3:67,375,857, T>C on the plus strand (A>G on the coding strand, the complement: SUCLG2 is on the minus strand). VCF-style: chr3-67375857-T-C. GRCh37 (hg19) VCF-style: chr3-67426281-T-C.
Other names: c.1184-15089A>G (NM_001177599.2); short protein forms T396A.
Identifiers: ClinVar variation 3056708 (VCV003056708.2), dbSNP rs35494829, ClinGen allele CA2485737.

ClinVar aggregate classification (germline): Benign (0 of 4 stars; one submission).

Conditions:
SUCLG2-related disorder. Also called: SUCLG2-related condition.

Allele frequency attached by ClinVar (database versions not stated): 1000 Genomes Project 0.06190; 1000 Genomes Project 30x 0.06324; gnomAD 0.08732; TOPMed 0.09175; ESP Exome Variant Server 0.09766; ExAC 0.09769.
gnomAD v4.1: 167,022 of 1,612,796 alleles (10%); highest among the groups gnomAD compares: Middle Eastern, 18%; 9,536 homozygotes.

Submission:

PreventionGenetics, part of Exact Sciences
Classification: Benign for SUCLG2-related condition. Last evaluated: 2019-07-08. Review status: no assertion criteria provided. Collection method: clinical testing. Allele origin: germline.
Comment: This variant is classified as benign based on ACMG/AMP sequence variant interpretation guidelines (Richards et al. 2015 PMID: 25741868, with internal and published modifications).